The following is an entry in ClinVar:

ClinVar aggregate classification (germline): Uncertain significance (3 of 4 stars; one submission).

Conditions:
Glanzmann thrombasthenia. Also called: THROMBASTHENIA OF GLANZMANN AND NAEGELI; Thrombasthenia; Glanzmann's thrombasthenia; PLATELET GLYCOPROTEIN IIb-IIIa DEFICIENCY. Identifiers: Orphanet 849, MedGen C0040015, MONDO:0100326.

Submission:

ClinGen Platelet Disorders Variant Curation Expert Panel, ClinGen
Classification: Uncertain significance for Glanzmann thrombasthenia. Last evaluated: 2026-03-17. Review status: reviewed by expert panel. Criteria: ClinGen Platelet ACMG Specifications v2-1. Collection method: curation. Allele origin: germline. Inheritance: Autosomal recessive inheritance.
Comment: The c.2852_2853delinsC variant has not been reported in the literature to our knowledge. This frameshift variant occurs in exon 28 and results in 51 altered amino acids followed by as stop loss and the elongation of the protein by 90 amino acids. This alters the entirety of the transmembrane domain which is critical to protein function (PMID: 25617834) as well as the cytoplasmic domain (PVS1_Strong). This variant is absent from gnomADv4 (PM2_supporting). In summary, this variant meets the criteria to be classified as uncertain significance for autosomal recessive Glanzmann Thrombasthenia based on the ACMG/AMP criteria applied, as specified by the ClinGen PD VCEP: PM2_Supporting, PVS1_Strong (PD VCEP specifications version 2.1).

NM_000419.5(ITGA2B):c.2852_2853delinsC (p.Asp951fs)

Gene: ITGA2B (integrin subunit alpha 2b; minus strand). Cytogenetic location: 17q21.31.
Variant type: Indel.
Coding change: c.2852_2853delinsC on transcript NM_000419.5 (MANE Select); coding-DNA positions 2852 to 2853, AT replaced by C.
Protein change: p.Asp951fs; shifts the reading frame from aspartic acid 951.
Molecular consequence: frameshift variant.
Genome position (GRCh38, 1-based): chr17:44,374,749-44,374,750, AT replaced by G on the plus strand (AT replaced by C on the coding strand, the reverse complement: ITGA2B is on the minus strand). VCF-style: chr17-44374749-AT-G. GRCh37 (hg19) VCF-style: chr17-42452117-AT-G.
Other names: short protein forms D951fs.
Identifiers: ClinVar variation 953021 (VCV000953021.4), dbSNP rs2048524745, ClinGen allele CA913187304.
Genomic context (GRCh38, chr17:44,374,749, plus strand): 5'-GGGCACCGCATAGGGGAGGGAGGACACGTTGAACCATGCGTGCGACTGCAGCACAAACTG[AT>G]CCAGAGGCCTCTGGACAGGTTGGGGTTGAAAGCCGTTTACACCCACAAGAGGCCTATTGG-3'